The following is an entry in ClinVar:

ClinVar aggregate classification (germline): Uncertain significance (1 of 4 stars; one submission).

Submission:

Labcorp Genetics (formerly Invitae), Labcorp
Classification: Uncertain significance. Last evaluated: 2023-09-04. Review status: criteria provided, single submitter. Criteria: Invitae Variant Classification Sherloc (09022015). Collection method: clinical testing. Allele origin: germline.
Comment: This variant is not present in population databases (gnomAD no frequency). This sequence change replaces proline, which is neutral and non-polar, with arginine, which is basic and polar, at codon 1058 of the JAK2 protein (p.Pro1058Arg). In summary, the available evidence is currently insufficient to determine the role of this variant in disease. Therefore, it has been classified as a Variant of Uncertain Significance. Advanced modeling of protein sequence and biophysical properties (such as structural, functional, and spatial information, amino acid conservation, physicochemical variation, residue mobility, and thermodynamic stability) performed at Invitae indicates that this missense variant is expected to disrupt JAK2 protein function. This variant has not been reported in the literature in individuals affected with JAK2-related conditions.

NM_004972.4(JAK2):c.3173C>G (p.Pro1058Arg)

Genes: INSL6 (insulin like 6; minus strand), JAK2 (Janus kinase 2; plus strand). Cytogenetic location: 9p24.1.
Variant type: single nucleotide variant.
Coding change: c.3173C>G on transcript NM_004972.4 (MANE Select); coding-DNA position 3173, C replaced by G.
Protein change: p.Pro1058Arg; replaces proline 1058 with arginine.
Molecular consequence: missense variant. On other transcripts: non-coding transcript variant (2).
Genome position (GRCh38, 1-based): chr9:5,123,117, C>G. VCF-style: chr9-5123117-C-G. GRCh37 (hg19) VCF-style: chr9-5123117-C-G.
Other names: c.1958C>G, p.Pro653Arg (NM_001322198.2, NM_001322199.2); c.2726C>G, p.Pro909Arg (NM_001322204.2); c.3173C>G, p.Pro1058Arg (NM_001322194.2, NM_001322195.2, NM_001322196.2); short protein forms P653R, P909R, P1058R.
Identifiers: ClinVar variation 2757883 (VCV002757883.3), dbSNP rs2489264451, ClinGen allele CA372830203.